The following is an entry in ClinVar:

NM_014946.4(SPAST):c.455_456del (p.Gly152fs)

Gene: SPAST (spastin; plus strand). Cytogenetic location: 2p22.3.
Variant type: Deletion.
Coding change: c.455_456del on transcript NM_014946.4 (MANE Select); coding-DNA positions 455 to 456, 2 bases deleted (GT; older notation c.455_456delGT).
Protein change: p.Gly152fs; shifts the reading frame from glycine 152.
Molecular consequence: frameshift variant.
Genome position (GRCh38, 1-based): chr2:32,087,531-32,087,532, GT deleted. VCF-style (leftmost placement, unchanged base first): chr2-32087530-GGT-G. GRCh37 (hg19) VCF-style: chr2-32312599-GGT-G.
Other names: c.452_453del, p.Gly151fs (NM_001363823.2, NM_001363875.2); c.455_456del, p.Gly152fs (NM_001377959.1, NM_199436.2); short protein forms G151fs, G152fs.
Identifiers: ClinVar variation 4819342 (VCV004819342.1).

ClinVar aggregate classification (germline): Likely pathogenic (1 of 4 stars; one submission).

Conditions:
Hereditary spastic paraplegia 4. Also called: Spastic paraplegia 4, autosomal dominant; Spastic Paraplegia 4; Familial spastic paraplegia autosomal dominant 2. Identifiers: Orphanet 100985, MedGen C1866855, MONDO:0008438, OMIM 182601.

Submission:

Clinical Biomedical Laboratory, Shriners Hospital For Children - Canada
Classification: Likely pathogenic for Hereditary spastic paraplegia 4. Review status: criteria provided, single submitter. Criteria: ACMG Guidelines, 2015. Collection method: clinical testing. Allele origin: germline. Affected: yes.
Comment: This variant is predicted to substitute a glycine residue by an aspartate residue and introduce a stop codon 2 amino acids downstream. This is expected to lead to degradation of the affected transcript and loss of function of the affected allele. This variant is absent from the Genome Aggregation Database (v2.1.1.), indicating it is very rare. This variant is not reported in ClinVar, but a frameshift variant starting at the same amino acid residue is reported in ClinVar (Variation ID: 5663: SPAST:c.453dup; p.Gly152fs) as pathogenic from one submitter. Based on the ACMG variant interpretation guidelines (criteria: PVS1, PM2), the available evidence supports classification of this variant as likely pathogenic.